The following is an entry in ClinVar:

NM_178857.6(RP1L1):c.2516G>A (p.Arg839Gln)

Gene: RP1L1 (RP1 like 1). Cytogenetic location: 8p23.1.
Variant type: single nucleotide variant.
Coding change: c.2516G>A on transcript NM_178857.6 (MANE Select); coding-DNA position 2516, G replaced by A.
Protein change: p.Arg839Gln; replaces arginine 839 with glutamine.
Molecular consequence: missense variant.
Genome position (GRCh38, 1-based): chr8:10,611,582, C>T on the plus strand (G>A on the coding strand, the complement: RP1L1 is on the minus strand). VCF-style: chr8-10611582-C-T. GRCh37 (hg19) VCF-style: chr8-10469092-C-T.
Other names: short protein forms R839Q.
Identifiers: ClinVar variation 908554 (VCV000908554.8), dbSNP rs375534027, ClinGen allele CA4624798.

ClinVar aggregate classification (germline): Conflicting classifications of pathogenicity. Review status: criteria provided, conflicting classifications (1 of 4 stars). 3 submissions from 3 submitters: Uncertain significance (2); Benign (1). Last evaluated 2026-07-14.

Conditions:
Inborn genetic diseases. Identifiers: MedGen C0950123, MeSH D030342.
Occult macular dystrophy (OCMD). Also called: OMD; OCCULT MACULAR DYSTROPHY, SUSCEPTIBILITY TO. Identifiers: Orphanet 247834, MedGen C3150833, MONDO:0013316, OMIM 613587, HP:0030636.
RP1L1-related disorder. Also called: RP1L1-related condition.

Allele frequency attached by ClinVar (database versions not stated): gnomAD exomes 0.00001 and 0.00002; ExAC 0.00004; ESP Exome Variant Server 0.00008; gnomAD 0.00009; TOPMed 0.00010; 1000 Genomes Project 30x 0.00016.
gnomAD v4.1: 33 of 1,609,800 alleles (0.002%); highest among the groups gnomAD compares: African/African-American, 0.025%; no homozygotes.

Submissions (3):

PreventionGenetics, part of Exact Sciences
Classification: Uncertain significance for RP1L1-related condition. Last evaluated: 2026-07-14. Review status: criteria provided, single submitter. Criteria: ACMG Guidelines, 2015. Collection method: clinical testing. Allele origin: germline.
Comment: The RP1L1 c.2516G>A variant is predicted to result in the amino acid substitution p.Arg839Gln. To our knowledge, this variant has not been reported in the literature. This variant is reported in 0.018% of alleles in individuals of African descent in gnomAD. At this time, the clinical significance of this variant is uncertain due to the absence of conclusive functional and genetic evidence.

Ambry Genetics
Classification: Uncertain significance for Inborn genetic diseases. Last evaluated: 2025-05-16. Review status: criteria provided, single submitter. Criteria: Ambry Variant Classification Scheme 2023. Collection method: clinical testing. Allele origin: germline.

Illumina Laboratory Services, Illumina
Classification: Benign for Occult macular dystrophy. Last evaluated: 2018-01-12. Review status: criteria provided, single submitter. Criteria: ICSL Variant Classification Criteria 13 December 2019. Collection method: clinical testing. Allele origin: germline.
Comment: This variant was observed in the ICSL laboratory as part of a predisposition screen in an ostensibly healthy population. It had not been previously curated by ICSL or reported in the Human Gene Mutation Database (HGMD: prior to June 1st, 2018), and was therefore a candidate for classification through an automated scoring system. Utilizing variant allele frequency, disease prevalence and penetrance estimates, and inheritance mode, an automated score was calculated to assess if this variant is too frequent to cause the disease. Based on the score and internal cut-off values, a variant classified as benign is not then subjected to further curation. The score for this variant resulted in a classification of benign for this disease.